The following is an entry in ClinVar:

NM_032108.4(SEMA6B):c.2361C>G (p.Phe787Leu)

Gene: SEMA6B (semaphorin 6B; minus strand). Cytogenetic location: 19p13.3.
Variant type: single nucleotide variant.
Coding change: c.2361C>G on transcript NM_032108.4 (MANE Select); coding-DNA position 2361, C replaced by G.
Protein change: p.Phe787Leu; replaces phenylalanine 787 with leucine.
Molecular consequence: missense variant.
Genome position (GRCh38, 1-based): chr19:4,543,907, G>C on the plus strand (C>G on the coding strand, the complement: SEMA6B is on the minus strand). VCF-style: chr19-4543907-G-C. GRCh37 (hg19) VCF-style: chr19-4543919-G-C.
Other names: short protein forms F787L.
Identifiers: ClinVar variation 4086372 (VCV004086372.1).

ClinVar aggregate classification (germline): Uncertain significance (1 of 4 stars; one submission).

Submission:

GeneDx
Classification: Uncertain significance. Last evaluated: 2025-03-18. Review status: criteria provided, single submitter. Criteria: GeneDx Variant Classification Process June 2021. Collection method: clinical testing. Allele origin: germline. Affected: yes.
Comment: Not observed at significant frequency in large population cohorts (gnomAD); In silico analysis supports that this missense variant has a deleterious effect on protein structure/function; Has not been previously published as pathogenic or benign to our knowledge